The following is an entry in ClinVar:

ClinVar aggregate classification (germline): Conflicting classifications of pathogenicity. Review status: criteria provided, conflicting classifications (1 of 4 stars). 6 submissions from 6 submitters: Uncertain significance (1); Likely benign (3). 2 of the submissions do not count toward it. Last evaluated 2026-01-26.

Conditions:
Chédiak-Higashi syndrome (CHS). Also called: Chediak-Higashi Syndrome. Identifiers: Orphanet 167, MedGen C0007965, MONDO:0008963, OMIM 214500.

Allele frequency attached by ClinVar (database versions not stated): gnomAD 0.00031; gnomAD exomes 0.00031 and 0.00057; ExAC 0.00032; TOPMed 0.00032; ESP Exome Variant Server 0.00062.
gnomAD v4.1: 860 of 1,613,708 alleles (0.053%); highest among the groups gnomAD compares: Non-Finnish European, 0.07%; no homozygotes.

Submissions (6):

Labcorp Genetics (formerly Invitae), Labcorp
Classification: Likely benign for Chédiak-Higashi syndrome. Last evaluated: 2026-01-26. Review status: criteria provided, single submitter. Criteria: Invitae Variant Classification Sherloc (09022015). Collection method: clinical testing. Allele origin: germline.

Mayo Clinic Laboratories, Mayo Clinic
Classification: Likely benign. Last evaluated: 2025-08-15. Review status: criteria provided, single submitter. Criteria: ACMG Guidelines, 2015. Collection method: clinical testing. Allele origin: germline. Observed: 1 variant allele.
Comment: BP4, BP7

Blueprint Genetics
Classification: Likely benign. Last evaluated: 2024-11-11. Review status: criteria provided, single submitter. Criteria: ACMG Guidelines, 2015. Collection method: clinical testing. Allele origin: germline.

Illumina Laboratory Services, Illumina
Classification: Uncertain significance for Chédiak-Higashi syndrome. Last evaluated: 2018-01-12. Review status: criteria provided, single submitter. Criteria: ICSL Variant Classification Criteria 13 December 2019. Collection method: clinical testing. Allele origin: germline.

Clinical Genetics DNA and cytogenetics Diagnostics Lab, Erasmus MC, Erasmus Medical Center
Classification: Likely benign. Review status: no assertion criteria provided. Collection method: clinical testing. Allele origin: germline. Affected: yes. Study: VKGL Data-share Consensus. Not counted in ClinVar's aggregate classification.

Clinical Genetics, Academic Medical Center
Classification: Benign. Review status: no assertion criteria provided. Collection method: clinical testing. Allele origin: germline. Affected: yes. Study: VKGL Data-share Consensus. Not counted in ClinVar's aggregate classification.

NM_000081.4(LYST):c.2313G>A (p.Gln771=)

Gene: LYST (lysosomal trafficking regulator; minus strand). Cytogenetic location: 1q42.3.
Variant type: single nucleotide variant.
Coding change: c.2313G>A on transcript NM_000081.4 (MANE Select); coding-DNA position 2313, G replaced by A.
Protein change: p.Gln771=; no amino-acid change (glutamine 771 retained).
Molecular consequence: synonymous variant.
Genome position (GRCh38, 1-based): chr1:235,808,505, C>T on the plus strand (G>A on the coding strand, the complement: LYST is on the minus strand). VCF-style: chr1-235808505-C-T. GRCh37 (hg19) VCF-style: chr1-235971805-C-T.
Other names: p.Gln771=; c.2313G>A, p.Gln771= (NM_001301365.1).
Identifiers: ClinVar variation 296423 (VCV000296423.22), dbSNP rs147220685, ClinGen allele CA1467328.
Genomic context (GRCh38, chr1:235,808,505, plus strand): 5'-ACATACAAACCTGGATTTAAGCAGGATAGGCAGAGTTTTTACATAAATCTGAAGCACGTC[C>T]TGAGGCAAGCACTGGTTATGATGGCTACATACATGACTTTGAGCTGAAGTAACGCTTAGG-3'
Protein context (NP_000072.2, residues 761-781): VCSHHNQCLP[Gln771=]DVLQIYVKTL